The following is an entry in ClinVar:

NM_001378454.1(ALMS1):c.7007T>C (p.Ile2336Thr)

Gene: ALMS1 (ALMS1 centrosome and basal body associated protein; plus strand). Cytogenetic location: 2p13.1.
Variant type: single nucleotide variant.
Coding change: c.7007T>C on transcript NM_001378454.1 (MANE Select); coding-DNA position 7007, T replaced by C.
Protein change: p.Ile2336Thr; replaces isoleucine 2336 with threonine.
Molecular consequence: missense variant.
Genome position (GRCh38, 1-based): chr2:73,453,534, T>C. VCF-style: chr2-73453534-T-C. GRCh37 (hg19) VCF-style: chr2-73680661-T-C.
Other names: c.7010T>C, p.Ile2337Thr (NM_015120.4); short protein forms I2336T, I2337T.
Identifiers: ClinVar variation 1449866 (VCV001449866.6), dbSNP rs746208159, ClinGen allele CA347290505.

ClinVar aggregate classification (germline): Uncertain significance (1 of 4 stars; one submission).

Conditions:
Alstrom syndrome (ALMS). Identifiers: Orphanet 64, MedGen C0268425, MONDO:0008763, OMIM 203800.

Submission:

Labcorp Genetics (formerly Invitae), Labcorp
Classification: Uncertain significance for Alstrom syndrome. Last evaluated: 2021-09-06. Review status: criteria provided, single submitter. Criteria: Invitae Variant Classification Sherloc (09022015). Collection method: clinical testing. Allele origin: germline.
Comment: In summary, the available evidence is currently insufficient to determine the role of this variant in disease. Therefore, it has been classified as a Variant of Uncertain Significance. Experimental studies and prediction algorithms are not available or were not evaluated, and the functional significance of this variant is currently unknown. This variant has not been reported in the literature in individuals affected with ALMS1-related conditions. This variant is not present in population databases (ExAC no frequency). This sequence change replaces isoleucine with threonine at codon 2337 of the ALMS1 protein (p.Ile2337Thr). The isoleucine residue is moderately conserved and there is a moderate physicochemical difference between isoleucine and threonine.